The following is an entry in ClinVar:

ClinVar aggregate classification (germline): Uncertain significance (1 of 4 stars; one submission).

gnomAD v4.1: 8 of 1,581,386 alleles (0.00051%); highest among the groups gnomAD compares: Admixed American, 0.01%; no homozygotes.

Submission:

Labcorp Genetics (formerly Invitae), Labcorp
Classification: Uncertain significance. Last evaluated: 2024-08-05. Review status: criteria provided, single submitter. Criteria: Invitae Variant Classification Sherloc (09022015). Collection method: clinical testing. Allele origin: germline.
Comment: This sequence change falls in intron 1 of the POLD2 gene. It does not directly change the encoded amino acid sequence of the POLD2 protein. This variant is present in population databases (rs779409910, gnomAD 0.02%). This variant has not been reported in the literature in individuals affected with POLD2-related conditions. Algorithms developed to predict the effect of sequence changes on RNA splicing suggest that this variant may disrupt the consensus splice site. In summary, the available evidence is currently insufficient to determine the role of this variant in disease. Therefore, it has been classified as a Variant of Uncertain Significance.

NM_006230.4(POLD2):c.-56-4G>C

Gene: POLD2 (DNA polymerase delta 2, accessory subunit; minus strand). Cytogenetic location: 7p13.
Variant type: single nucleotide variant.
Coding change: c.-56-4G>C on transcript NM_006230.4 (MANE Select); 4 bases into the intron before 56 bases upstream of the start codon, G replaced by C.
Molecular consequence: intron variant. On other transcripts: 5 prime UTR variant (2).
Genome position (GRCh38, 1-based): chr7:44,122,113, C>G on the plus strand (G>C on the coding strand, the complement: POLD2 is on the minus strand). VCF-style: chr7-44122113-C-G. GRCh37 (hg19) VCF-style: chr7-44161712-C-G.
Other names: c.-60G>C (NM_001127218.3, NM_001256879.2).
Identifiers: ClinVar variation 3713732 (VCV003713732.2).
Genomic context (GRCh38, chr7:44,122,113, plus strand): 5'-TGGCCACACTCCTGACTTGCTTGGTCCACACAGCTTCGCCCAGGCCAAGGAGGTTCACTG[C>G]GAAAACACAAAGGCATTCCTGCTGCCCCTGTCCATCCCCCAAAGCAGCAGCTCTCCTGGT-3'